The following is an entry in ClinVar:

NM_004484.4(GPC3):c.479A>G (p.Asp160Gly)

Gene: GPC3 (glypican 3; minus strand). Cytogenetic location: Xq26.2.
Variant type: single nucleotide variant.
Coding change: c.479A>G on transcript NM_004484.4 (MANE Select); coding-DNA position 479, A replaced by G.
Protein change: p.Asp160Gly; replaces aspartic acid 160 with glycine.
Molecular consequence: missense variant.
Genome position (GRCh38, 1-based): chrX:133,754,035, T>C on the plus strand (A>G on the coding strand, the complement: GPC3 is on the minus strand). VCF-style: chrX-133754035-T-C. GRCh37 (hg19) VCF-style: chrX-132888062-T-C.
Other names: c.479A>G, p.Asp160Gly (NM_001164617.2); c.431A>G, p.Asp144Gly (NM_001164618.2); c.317A>G, p.Asp106Gly (NM_001164619.2); short protein forms D106G, D144G, D160G.
Identifiers: ClinVar variation 2745075 (VCV002745075.3), dbSNP rs2521357893, ClinGen allele CA414706539.

ClinVar aggregate classification (germline): Uncertain significance (1 of 4 stars; one submission).

Conditions:
Wilms tumor 1 (WT1). Also called: Wilms tumor, somatic. Identifiers: Orphanet 654, MedGen CN033288, MONDO:0008679, OMIM 194070.

Submission:

Labcorp Genetics (formerly Invitae), Labcorp
Classification: Uncertain significance for Wilms tumor 1. Last evaluated: 2023-07-19. Review status: criteria provided, single submitter. Criteria: Invitae Variant Classification Sherloc (09022015). Collection method: clinical testing. Allele origin: germline.
Comment: In summary, the available evidence is currently insufficient to determine the role of this variant in disease. Therefore, it has been classified as a Variant of Uncertain Significance. Advanced modeling of protein sequence and biophysical properties (such as structural, functional, and spatial information, amino acid conservation, physicochemical variation, residue mobility, and thermodynamic stability) has been performed at Invitae for this missense variant, however the output from this modeling did not meet the statistical confidence thresholds required to predict the impact of this variant on GPC3 protein function. This variant has not been reported in the literature in individuals affected with GPC3-related conditions. This variant is not present in population databases (gnomAD no frequency). This sequence change replaces aspartic acid, which is acidic and polar, with glycine, which is neutral and non-polar, at codon 160 of the GPC3 protein (p.Asp160Gly).